The following is an entry in ClinVar:

ClinVar aggregate classification (germline): Pathogenic/Likely pathogenic. Review status: criteria provided, multiple submitters, no conflicts (2 of 4 stars). 2 submissions from 2 submitters: Pathogenic (1); Likely pathogenic (1). Last evaluated 2025-06-18.

Conditions:
Hereditary cancer-predisposing syndrome. Also called: Neoplastic Syndromes, Hereditary; Tumor predisposition; Hereditary Cancer Syndrome; Hereditary neoplastic syndrome. Identifiers: Orphanet 140162, MedGen C0027672, MeSH D009386, MONDO:0015356.

Submissions (2):

Ambry Genetics
Classification: Likely pathogenic for Hereditary cancer-predisposing syndrome. Last evaluated: 2025-06-18. Review status: criteria provided, single submitter. Criteria: Ambry Variant Classification Scheme 2023. Collection method: clinical testing. Allele origin: germline.
Comment: The c.1896delA variant, located in coding exon 13 of the MSH3 gene, results from a deletion of one nucleotide at nucleotide position 1896, causing a translational frameshift with a predicted alternate stop codon (p.K632Nfs*9). This alteration is expected to result in loss of function by premature protein truncation or nonsense-mediated mRNA decay. However, this change occurs in the last base pair of coding exon 13, which makes it likely to have some effect on normal mRNA splicing. This nucleotide position is well conserved in available vertebrate species. In silico splice site analysis predicts that this alteration will weaken the native splice donor site and will result in the creation or strengthening of a novel splice donor site. RNA studies have demonstrated that this alteration results in abnormal splicing in the set of samples tested (Ambry internal data). Based on the majority of available evidence to date, this variant is likely to be pathogenic.

Labcorp Genetics (formerly Invitae), Labcorp
Classification: Pathogenic. Last evaluated: 2024-04-29. Review status: criteria provided, single submitter. Criteria: Invitae Variant Classification Sherloc (09022015). Collection method: clinical testing. Allele origin: germline.
Comment: This sequence change creates a premature translational stop signal (p.Lys632Asnfs*9) in the MSH3 gene. It is expected to result in an absent or disrupted protein product. Loss-of-function variants in MSH3 are known to be pathogenic (PMID: 27476653, 37402566). This variant is not present in population databases (gnomAD no frequency). This variant has not been reported in the literature in individuals affected with MSH3-related conditions. For these reasons, this variant has been classified as Pathogenic.

Literature cited by the submitters: PubMed 27476653 (cited by Labcorp Genetics (formerly Invitae), Labcorp); PubMed 37402566 (cited by Labcorp Genetics (formerly Invitae), Labcorp).

NM_002439.5(MSH3):c.1896del (p.Lys632fs)

Gene: MSH3 (mutS homolog 3; plus strand). Cytogenetic location: 5q14.1.
Variant type: Deletion.
Coding change: c.1896del on transcript NM_002439.5 (MANE Select); coding-DNA position 1896, one base deleted (A; older notation c.1896delA).
Protein change: p.Lys632fs; shifts the reading frame from lysine 632.
Molecular consequence: frameshift variant.
Genome position (GRCh38, 1-based): chr5:80,761,678, A deleted; the last of 6 consecutive A bases (chr5:80,761,673-80,761,678); deleting any one gives the same sequence. VCF-style (leftmost placement, unchanged base first): chr5-80761672-CA-C. GRCh37 (hg19) VCF-style: chr5-80057491-CA-C.
Other names: c.1896delA (NM_002439.3); short protein forms K632fs.
Identifiers: ClinVar variation 2918178 (VCV002918178.4), dbSNP rs2112880076, ClinGen allele CA2709330594.